The following is an entry in ClinVar:

NM_019032.6(ADAMTSL4):c.1372-3C>T

Genes: ADAMTSL4 (ADAMTS like 4; plus strand), ADAMTSL4-AS2 (ADAMTSL4 antisense RNA 2; minus strand). Cytogenetic location: 1q21.2.
Variant type: single nucleotide variant.
Coding change: c.1372-3C>T on transcript NM_019032.6 (MANE Select); 3 bases into the intron before coding-DNA position 1372, C replaced by T.
Molecular consequence: intron variant.
Genome position (GRCh38, 1-based): chr1:150,556,159, C>T. VCF-style: chr1-150556159-C-T. GRCh37 (hg19) VCF-style: chr1-150528635-C-T.
Other names: c.1441-3C>T (NM_001288608.2, NM_001288607.2); c.1372-3C>T (NM_001378596.1, NM_025008.5).
Identifiers: ClinVar variation 1980502 (VCV001980502.1), dbSNP rs751959205, ClinGen allele CA1078260.

ClinVar aggregate classification (germline): Uncertain significance (1 of 4 stars; one submission).

Allele frequency attached by ClinVar (database versions not stated): TOPMed 0.00002; gnomAD exomes 0.00004; gnomAD 0.00001; ExAC 0.00002.
gnomAD v4.1: 54 of 1,613,858 alleles (0.0033%); highest among the groups gnomAD compares: Non-Finnish European, 0.0046%; no homozygotes.

Submission:

Labcorp Genetics (formerly Invitae), Labcorp
Classification: Uncertain significance. Last evaluated: 2021-12-20. Review status: criteria provided, single submitter. Criteria: Invitae Variant Classification Sherloc (09022015). Collection method: clinical testing. Allele origin: germline.
Comment: This sequence change falls in intron 8 of the ADAMTSL4 gene. It does not directly change the encoded amino acid sequence of the ADAMTSL4 protein. It affects a nucleotide within the consensus splice site. This variant is present in population databases (rs751959205, gnomAD 0.003%). This variant has not been reported in the literature in individuals affected with ADAMTSL4-related conditions. Variants that disrupt the consensus splice site are a relatively common cause of aberrant splicing (PMID: 17576681, 9536098). Algorithms developed to predict the effect of sequence changes on RNA splicing suggest that this variant is not likely to affect RNA splicing. In summary, the available evidence is currently insufficient to determine the role of this variant in disease. Therefore, it has been classified as a Variant of Uncertain Significance.

Literature cited by the submitters: PubMed 17576681; PubMed 9536098.